The following is an entry in ClinVar:

ClinVar aggregate classification (germline): Uncertain significance. Review status: criteria provided, multiple submitters, no conflicts (2 of 4 stars). 2 submissions from 2 submitters: Uncertain significance (2). Last evaluated 2026-01-21.

Conditions:
Inborn genetic diseases. Identifiers: MedGen C0950123, MeSH D030342.
ALG12-congenital disorder of glycosylation (CDG1G). Also called: Congenital disorder of glycosylation, type Ig; ALG12-CDG; CDG Ig. Identifiers: Orphanet 79324, MedGen C2931001, MONDO:0011783, OMIM 607143.

Allele frequency attached by ClinVar (database versions not stated): gnomAD 0.00001 and 0.00002; gnomAD exomes 0.00001 and 0.00002; ExAC 0.00002; 1000 Genomes Project 0.00040; 1000 Genomes Project 30x 0.00062.
gnomAD v4.1: 7 of 1,613,952 alleles (0.00043%); highest among the groups gnomAD compares: Admixed American, 0.005%; no homozygotes.

Submissions (2):

Labcorp Genetics (formerly Invitae), Labcorp
Classification: Uncertain significance for ALG12-congenital disorder of glycosylation. Last evaluated: 2026-01-21. Review status: criteria provided, single submitter. Criteria: Invitae Variant Classification Sherloc (09022015). Collection method: clinical testing. Allele origin: germline.
Comment: This sequence change replaces histidine, which is basic and polar, with tyrosine, which is neutral and polar, at codon 139 of the ALG12 protein (p.His139Tyr). This variant is present in population databases (rs200490756, gnomAD 0.006%). This variant has not been reported in the literature in individuals affected with ALG12-related conditions. ClinVar contains an entry for this variant (Variation ID: 1371620). Invitae Evidence Modeling of protein sequence and biophysical properties (such as structural, functional, and spatial information, amino acid conservation, physicochemical variation, residue mobility, and thermodynamic stability) indicates that this missense variant is expected to disrupt ALG12 protein function with a positive predictive value of 80%. In summary, the available evidence is currently insufficient to determine the role of this variant in disease. Therefore, it has been classified as a Variant of Uncertain Significance.

Ambry Genetics
Classification: Uncertain significance for Inborn genetic diseases. Last evaluated: 2022-08-17. Review status: criteria provided, single submitter. Criteria: Ambry Variant Classification Scheme 2023. Collection method: clinical testing. Allele origin: germline.

NM_024105.4(ALG12):c.415C>T (p.His139Tyr)

Gene: ALG12 (ALG12 alpha-1,6-mannosyltransferase; minus strand). Cytogenetic location: 22q13.33.
Variant type: single nucleotide variant.
Coding change: c.415C>T on transcript NM_024105.4 (MANE Select); coding-DNA position 415, C replaced by T.
Protein change: p.His139Tyr; replaces histidine 139 with tyrosine.
Molecular consequence: missense variant.
Genome position (GRCh38, 1-based): chr22:49,910,488, G>A on the plus strand (C>T on the coding strand, the complement: ALG12 is on the minus strand). VCF-style: chr22-49910488-G-A. GRCh37 (hg19) VCF-style: chr22-50304136-G-A.
Other names: c.415C>T (NM_024105.3); short protein forms H139Y.
Identifiers: ClinVar variation 1371620 (VCV001371620.7), dbSNP rs200490756, ClinGen allele CA10300628.